The following is an entry in ClinVar:

ClinVar aggregate classification (germline): Uncertain significance (1 of 4 stars; one submission).

Conditions:
Cornelia de Lange syndrome 1 (CDLS1). Also called: TYPUS DEGENERATIVUS AMSTELODAMENSIS; NIPBL-Related Cornelia de Lange Syndrome; Brachmann de Lange syndrome. Identifiers: Orphanet 199, MedGen C4551851, MONDO:0007387, OMIM 122470.

Allele frequency attached by ClinVar (database versions not stated): TOPMed below 0.00001; ExAC 0.00001; gnomAD 0.00001; gnomAD exomes 0.00001.
gnomAD v4.1: 9 of 1,613,442 alleles (0.00056%); highest among the groups gnomAD compares: Admixed American, 0.005%; no homozygotes.

Submission:

Labcorp Genetics (formerly Invitae), Labcorp
Classification: Uncertain significance for Cornelia de Lange syndrome 1. Last evaluated: 2022-10-18. Review status: criteria provided, single submitter. Criteria: Invitae Variant Classification Sherloc (09022015). Collection method: clinical testing. Allele origin: germline.
Comment: This sequence change replaces arginine, which is basic and polar, with tryptophan, which is neutral and slightly polar, at codon 710 of the NIPBL protein (p.Arg710Trp). This variant is present in population databases (rs774516564, gnomAD 0.006%). This variant has not been reported in the literature in individuals affected with NIPBL-related conditions. ClinVar contains an entry for this variant (Variation ID: 839748). Advanced modeling of protein sequence and biophysical properties (such as structural, functional, and spatial information, amino acid conservation, physicochemical variation, residue mobility, and thermodynamic stability) has been performed at Invitae for this missense variant, however the output from this modeling did not meet the statistical confidence thresholds required to predict the impact of this variant on NIPBL protein function. In summary, the available evidence is currently insufficient to determine the role of this variant in disease. Therefore, it has been classified as a Variant of Uncertain Significance.

NM_133433.4(NIPBL):c.2128C>T (p.Arg710Trp)

Gene: NIPBL (NIPBL cohesin loading factor; plus strand). Cytogenetic location: 5p13.2.
Variant type: single nucleotide variant.
Coding change: c.2128C>T on transcript NM_133433.4 (MANE Select); coding-DNA position 2128, C replaced by T.
Protein change: p.Arg710Trp; replaces arginine 710 with tryptophan.
Molecular consequence: missense variant.
Genome position (GRCh38, 1-based): chr5:36,985,308, C>T. VCF-style: chr5-36985308-C-T. GRCh37 (hg19) VCF-style: chr5-36985410-C-T.
Other names: c.2128C>T, p.Arg710Trp (NM_015384.5); short protein forms R710W.
Identifiers: ClinVar variation 839748 (VCV000839748.8), dbSNP rs774516564, ClinGen allele CA3236129.